The following is an entry in ClinVar:

NM_199355.4(ADAMTS18):c.550C>A (p.Leu184Ile)

Gene: ADAMTS18 (ADAM metallopeptidase with thrombospondin type 1 motif 18; minus strand). Cytogenetic location: 16q23.1.
Variant type: single nucleotide variant.
Coding change: c.550C>A on transcript NM_199355.4 (MANE Select); coding-DNA position 550, C replaced by A.
Protein change: p.Leu184Ile; replaces leucine 184 with isoleucine.
Molecular consequence: missense variant.
Genome position (GRCh38, 1-based): chr16:77,367,669, G>T on the plus strand (C>A on the coding strand, the complement: ADAMTS18 is on the minus strand). VCF-style: chr16-77367669-G-T. GRCh37 (hg19) VCF-style: chr16-77401566-G-T.
Other names: c.30C>A, p.Ser10Arg (NM_001326358.2); c.550C>A (NM_199355.2); short protein forms S10R, L184I.
Identifiers: ClinVar variation 1493324 (VCV001493324.6), dbSNP rs371007079, ClinGen allele CA8181639.

ClinVar aggregate classification (germline): Uncertain significance. Review status: criteria provided, multiple submitters, no conflicts (2 of 4 stars). 2 submissions from 2 submitters: Uncertain significance (2). Last evaluated 2025-08-03.

Conditions:
Inborn genetic diseases. Identifiers: MedGen C0950123, MeSH D030342.

Allele frequency attached by ClinVar (database versions not stated): gnomAD exomes below 0.00001; ExAC 0.00001; gnomAD 0.00001; TOPMed 0.00001; ESP Exome Variant Server 0.00008.
gnomAD v4.1: 6 of 1,614,082 alleles (0.00037%); highest among the groups gnomAD compares: Non-Finnish European, 0.00042%; no homozygotes.

Submissions (2):

Ambry Genetics
Classification: Uncertain significance for Inborn genetic diseases. Last evaluated: 2025-08-03. Review status: criteria provided, single submitter. Criteria: Ambry Variant Classification Scheme 2023. Collection method: clinical testing. Allele origin: germline.

Labcorp Genetics (formerly Invitae), Labcorp
Classification: Uncertain significance. Last evaluated: 2022-02-05. Review status: criteria provided, single submitter. Criteria: Invitae Variant Classification Sherloc (09022015). Collection method: clinical testing. Allele origin: germline.
Comment: This sequence change replaces leucine, which is neutral and non-polar, with isoleucine, which is neutral and non-polar, at codon 184 of the ADAMTS18 protein (p.Leu184Ile). This variant is present in population databases (rs371007079, gnomAD 0.0009%). This variant has not been reported in the literature in individuals affected with ADAMTS18-related conditions. Algorithms developed to predict the effect of missense changes on protein structure and function are either unavailable or do not agree on the potential impact of this missense change (SIFT: "Not Available"; PolyPhen-2: "Benign"; Align-GVGD: "Not Available"). In summary, the available evidence is currently insufficient to determine the role of this variant in disease. Therefore, it has been classified as a Variant of Uncertain Significance.